The following is an entry in ClinVar:

ClinVar aggregate classification (germline): Benign/Likely benign. Review status: criteria provided, multiple submitters, no conflicts (2 of 4 stars). 6 submissions from 6 submitters: Benign (3); Likely benign (2). 1 of the submissions does not count toward it. Last evaluated 2026-01-19.

Conditions:
COL6A3-related disorder. Also called: COL6A3-related condition; COL6A3-related disorders.
Collagen 6-related myopathy. Identifiers: MedGen CN117976, MONDO:0100225.
Bethlem myopathy 1A. Also called: MYOPATHY, BENIGN CONGENITAL, WITH CONTRACTURES; Bethlem myopathy 1; Bethlem Muscular Dystrophy. Identifiers: Orphanet 610, MedGen CN029274, MONDO:0024530, OMIM 158810.

Allele frequency attached by ClinVar (database versions not stated): gnomAD 0.00058 and 0.00039; TOPMed 0.00065; gnomAD exomes 0.00130 and 0.00048; ExAC 0.00136; 1000 Genomes Project 30x 0.00375; 1000 Genomes Project 0.00379.
gnomAD v4.1: 828 of 1,614,182 alleles (0.051%); highest among the groups gnomAD compares: East Asian, 1.7%; 9 homozygotes.

Submissions (6):

Labcorp Genetics (formerly Invitae), Labcorp
Classification: Benign for Bethlem myopathy 1A. Last evaluated: 2026-01-19. Review status: criteria provided, single submitter. Criteria: Invitae Variant Classification Sherloc (09022015). Collection method: clinical testing. Allele origin: germline.

Blueprint Genetics
Classification: Likely benign. Last evaluated: 2024-10-28. Review status: criteria provided, single submitter. Criteria: ACMG Guidelines, 2015. Collection method: clinical testing. Allele origin: germline.

Illumina Laboratory Services, Illumina
Classification: Benign for Collagen VI-related myopathy. Last evaluated: 2018-01-13. Review status: criteria provided, single submitter. Criteria: ICSL Variant Classification Criteria 13 December 2019. Collection method: clinical testing. Allele origin: germline.
Comment: This variant was observed in the ICSL laboratory as part of a predisposition screen in an ostensibly healthy population. It had not been previously curated by ICSL or reported in the Human Gene Mutation Database (HGMD: prior to June 1st, 2018), and was therefore a candidate for classification through an automated scoring system. Utilizing variant allele frequency, disease prevalence and penetrance estimates, and inheritance mode, an automated score was calculated to assess if this variant is too frequent to cause the disease. Based on the score and internal cut-off values, a variant classified as benign is not then subjected to further curation. The score for this variant resulted in a classification of benign for this disease.

GeneDx
Classification: Likely benign. Last evaluated: 2017-07-28. Review status: criteria provided, single submitter. Criteria: GeneDx Variant Classification (06012015). Collection method: clinical testing. Allele origin: germline. Affected: yes.
Comment: This variant is considered likely benign or benign based on one or more of the following criteria: it is a conservative change, it occurs at a poorly conserved position in the protein, it is predicted to be benign by multiple in silico algorithms, and/or has population frequency not consistent with disease.

Eurofins Ntd Llc (ga)
Classification: Benign. Last evaluated: 2015-12-31. Review status: criteria provided, single submitter. Criteria: EGL Classification Definitions 2015. Collection method: clinical testing. Allele origin: germline. Observed: 1 variant allele, 1 heterozygote.

PreventionGenetics, part of Exact Sciences
Classification: Likely benign for COL6A3-related condition. Last evaluated: 2023-12-28. Review status: no assertion criteria provided. Collection method: clinical testing. Allele origin: germline. Not counted in ClinVar's aggregate classification.
Comment: This variant is classified as likely benign based on ACMG/AMP sequence variant interpretation guidelines (Richards et al. 2015 PMID: 25741868, with internal and published modifications).

NM_004369.4(COL6A3):c.9017A>G (p.Lys3006Arg)

Gene: COL6A3 (collagen type VI alpha 3 chain; minus strand). Cytogenetic location: 2q37.3.
Variant type: single nucleotide variant.
Coding change: c.9017A>G on transcript NM_004369.4 (MANE Select); coding-DNA position 9017, A replaced by G.
Protein change: p.Lys3006Arg; replaces lysine 3006 with arginine.
Molecular consequence: missense variant.
Genome position (GRCh38, 1-based): chr2:237,334,838, T>C on the plus strand (A>G on the coding strand, the complement: COL6A3 is on the minus strand). VCF-style: chr2-237334838-T-C. GRCh37 (hg19) VCF-style: chr2-238243481-T-C.
Other names: c.7196A>G, p.Lys2399Arg (NM_057166.5); c.8399A>G, p.Lys2800Arg (NM_057167.4); short protein forms K3006R, K2399R, K2800R.
Identifiers: ClinVar variation 285481 (VCV000285481.22), dbSNP rs2270668, ClinGen allele CA2187381.
Genomic context (GRCh38, chr2:237,334,838, plus strand): 5'-GAGGTGACGGTGAGGTCATAAAAATAAGGACCGGGGGGCTCAGCCCTCTCCCAGTGGAGT[T>C]TGGCGCTGTTCTCTGTTATCTCAAACACCTGGACTTCACGGGACATCTTAACTGAAAGAT-3'
Protein context (NP_004360.2, residues 2996-3016): QVFEITENSA[Lys3006Arg]LHWERAEPPG